The following is an entry in ClinVar:

NM_000264.5(PTCH1):c.1702C>T (p.Pro568Ser)

Gene: PTCH1 (patched 1; minus strand). Cytogenetic location: 9q22.32.
Variant type: single nucleotide variant.
Coding change: c.1702C>T on transcript NM_000264.5 (MANE Select); coding-DNA position 1702, C replaced by T.
Protein change: p.Pro568Ser; replaces proline 568 with serine.
Molecular consequence: missense variant. On other transcripts: non-coding transcript variant (1).
Genome position (GRCh38, 1-based): chr9:95,476,060, G>A on the plus strand (C>T on the coding strand, the complement: PTCH1 is on the minus strand). VCF-style: chr9-95476060-G-A. GRCh37 (hg19) VCF-style: chr9-98238342-G-A.
Other names: c.1504C>T, p.Pro502Ser (NM_001083602.3); c.1699C>T, p.Pro567Ser (NM_001083603.3); c.1249C>T, p.Pro417Ser (NM_001083604.3, NM_001083605.3, NM_001083606.3 and 1 more transcripts); c.1546C>T, p.Pro516Ser (NM_001354918.2); short protein forms P417S, P502S, P516S, P567S, P568S.
Identifiers: ClinVar variation 3230950 (VCV003230950.2), dbSNP rs2118250138, ClinGen allele CA374117921.

ClinVar aggregate classification (germline): Uncertain significance (1 of 4 stars; one submission).

Conditions:
Hereditary cancer-predisposing syndrome. Also called: Neoplastic Syndromes, Hereditary; Tumor predisposition; Hereditary Cancer Syndrome; Hereditary neoplastic syndrome. Identifiers: Orphanet 140162, MedGen C0027672, MeSH D009386, MONDO:0015356.

Submission:

Ambry Genetics
Classification: Uncertain significance for Hereditary cancer-predisposing syndrome. Last evaluated: 2026-05-06. Review status: criteria provided, single submitter. Criteria: Ambry Variant Classification Scheme 2023. Collection method: clinical testing. Allele origin: germline.
Comment: The p.P568S variant (also known as c.1702C>T), located in coding exon 12 of the PTCH1 gene, results from a C to T substitution at nucleotide position 1702. The proline at codon 568 is replaced by serine, an amino acid with similar properties. This amino acid position is conserved. In addition, this alteration is predicted to be deleterious by in silico analysis. Based on the available evidence, the clinical significance of this variant remains unclear.